The following is an entry in ClinVar:

NM_000535.7(PMS2):c.1867A>T (p.Ser623Cys)

Gene: PMS2 (PMS1 homolog 2, mismatch repair system component; minus strand). Cytogenetic location: 7p22.1.
Variant type: single nucleotide variant.
Coding change: c.1867A>T on transcript NM_000535.7 (MANE Select); coding-DNA position 1867, A replaced by T.
Protein change: p.Ser623Cys; replaces serine 623 with cysteine.
Molecular consequence: missense variant. On other transcripts: non-coding transcript variant (1).
Genome position (GRCh38, 1-based): chr7:5,986,898, T>A on the plus strand (A>T on the coding strand, the complement: PMS2 is on the minus strand). VCF-style: chr7-5986898-T-A. GRCh37 (hg19) VCF-style: chr7-6026529-T-A.
Other names: c.1462A>T, p.Ser488Cys (NM_001322003.2, NM_001322004.2, NM_001322005.2 and 1 more transcripts); c.1711A>T, p.Ser571Cys (NM_001322006.2); c.1549A>T, p.Ser517Cys (NM_001322007.2, NM_001322008.2); c.1306A>T, p.Ser436Cys (NM_001322010.2); c.934A>T, p.Ser312Cys (NM_001322011.2, NM_001322012.2); c.1294A>T, p.Ser432Cys (NM_001322013.2); c.1867A>T, p.Ser623Cys (NM_001322014.2); c.1558A>T, p.Ser520Cys (NM_001322015.2); short protein forms S623C, S312C, S436C, S488C, S432C, S571C, S517C, S520C.
Identifiers: ClinVar variation 631244 (VCV000631244.7), dbSNP rs1562626548, ClinGen allele CA366739513.

ClinVar aggregate classification (germline): Uncertain significance. Review status: criteria provided, multiple submitters, no conflicts (2 of 4 stars). 2 submissions from 2 submitters: Uncertain significance (2). Last evaluated 2024-02-20.

Conditions:
Hereditary cancer-predisposing syndrome. Also called: Tumor predisposition; Neoplastic Syndromes, Hereditary; Hereditary neoplastic syndrome; Hereditary Cancer Syndrome. Identifiers: Orphanet 140162, MedGen C0027672, MeSH D009386, MONDO:0015356.
Hereditary nonpolyposis colorectal neoplasms. Identifiers: MedGen C0009405, MeSH D003123.

Submissions (2):

Labcorp Genetics (formerly Invitae), Labcorp
Classification: Uncertain significance for Hereditary nonpolyposis colorectal neoplasms. Last evaluated: 2024-02-20. Review status: criteria provided, single submitter. Criteria: Invitae Variant Classification Sherloc (09022015). Collection method: clinical testing. Allele origin: germline.
Comment: This sequence change replaces serine, which is neutral and polar, with cysteine, which is neutral and slightly polar, at codon 623 of the PMS2 protein (p.Ser623Cys). This variant is not present in population databases (gnomAD no frequency). This variant has not been reported in the literature in individuals affected with PMS2-related conditions. ClinVar contains an entry for this variant (Variation ID: 631244). Advanced modeling of protein sequence and biophysical properties (such as structural, functional, and spatial information, amino acid conservation, physicochemical variation, residue mobility, and thermodynamic stability) performed at Invitae indicates that this missense variant is expected to disrupt PMS2 protein function with a positive predictive value of 80%. Algorithms developed to predict the effect of sequence changes on RNA splicing suggest that this variant may create or strengthen a splice site. In summary, the available evidence is currently insufficient to determine the role of this variant in disease. Therefore, it has been classified as a Variant of Uncertain Significance.

Color Diagnostics, LLC DBA Color Health
Classification: Uncertain significance for Hereditary cancer-predisposing syndrome. Last evaluated: 2023-12-05. Review status: criteria provided, single submitter. Criteria: ACMG Guidelines, 2015. Collection method: clinical testing. Allele origin: germline.
Comment: This missense variant replaces serine with cysteine at codon 623 of the PMS2 protein. Computational prediction suggests that this variant may not impact protein structure and function (internally defined REVEL score threshold <= 0.5, PMID: 27666373). To our knowledge, functional studies have not been reported for this variant. This variant has not been reported in individuals affected with PMS2-related disorders in the literature. This variant has not been identified in the general population by the Genome Aggregation Database (gnomAD). The available evidence is insufficient to determine the role of this variant in disease conclusively. Therefore, this variant is classified as a Variant of Uncertain Significance.